The following is an entry in ClinVar:

ClinVar aggregate classification (germline): Conflicting classifications of pathogenicity. Review status: criteria provided, conflicting classifications (1 of 4 stars). 2 submissions from 2 submitters: Uncertain significance (1); Likely benign (1). Last evaluated 2024-03-26.

Allele frequency attached by ClinVar (database versions not stated): gnomAD exomes below 0.00001.
gnomAD v4.1: 2 of 1,211,062 alleles (0.00017%); highest among the groups gnomAD compares: Non-Finnish European, 0.00022%; no homozygotes.

Submissions (2):

Labcorp Genetics (formerly Invitae), Labcorp
Classification: Uncertain significance. Last evaluated: 2024-03-26. Review status: criteria provided, single submitter. Criteria: Invitae Variant Classification Sherloc (09022015). Collection method: clinical testing. Allele origin: germline.
Comment: This sequence change replaces valine, which is neutral and non-polar, with leucine, which is neutral and non-polar, at codon 1147 of the NEXMIF protein (p.Val1147Leu). This variant is not present in population databases (gnomAD no frequency). This variant has not been reported in the literature in individuals affected with NEXMIF-related conditions. ClinVar contains an entry for this variant (Variation ID: 589951). Algorithms developed to predict the effect of missense changes on protein structure and function output the following: SIFT: "Not Available"; PolyPhen-2: "Benign"; Align-GVGD: "Not Available". The leucine amino acid residue is found in multiple mammalian species, which suggests that this missense change does not adversely affect protein function. In summary, the available evidence is currently insufficient to determine the role of this variant in disease. Therefore, it has been classified as a Variant of Uncertain Significance.

Ambry Genetics
Classification: Likely benign. Last evaluated: 2017-06-03. Review status: criteria provided, single submitter. Criteria: Ambry Variant Classification Scheme 2023. Collection method: clinical testing. Allele origin: germline.

NM_001008537.3(NEXMIF):c.3439G>C (p.Val1147Leu)

Gene: NEXMIF (neurite extension and migration factor; minus strand). Cytogenetic location: Xq13.3.
Variant type: single nucleotide variant.
Coding change: c.3439G>C on transcript NM_001008537.3 (MANE Select); coding-DNA position 3439, G replaced by C.
Protein change: p.Val1147Leu; replaces valine 1147 with leucine.
Molecular consequence: missense variant.
Genome position (GRCh38, 1-based): chrX:74,741,118, C>G on the plus strand (G>C on the coding strand, the complement: NEXMIF is on the minus strand). VCF-style: chrX-74741118-C-G. GRCh37 (hg19) VCF-style: chrX-73960953-C-G.
Other names: short protein forms V1147L.
Identifiers: ClinVar variation 589951 (VCV000589951.13), dbSNP rs1569335080, ClinGen allele CA413665931.